The following is an entry in ClinVar:

ClinVar aggregate classification (germline): Likely pathogenic. Review status: criteria provided, multiple submitters, no conflicts (2 of 4 stars). 4 submissions from 4 submitters: Likely pathogenic (3). 1 of the submissions does not count toward it. Last evaluated 2025-02-25.

Conditions:
Achromatopsia 2 (ACHM2). Also called: ROD MONOCHROMACY 2; ROD MONOCHROMATISM 2; COLORBLINDNESS, TOTAL. Identifiers: Orphanet 49382, MedGen C1857618, MONDO:0009003, OMIM 216900.
CNGA3-related disorders.
Retinal dystrophy. Also called: Inherited retinal dystrophy. Identifiers: Orphanet 71862, MedGen C0854723, MeSH D058499, MONDO:0019118, HP:0000556.

Allele frequency attached by ClinVar (database versions not stated): gnomAD exomes below 0.00001; ExAC 0.00001; gnomAD 0.00001.
gnomAD v4.1: 9 of 1,614,082 alleles (0.00056%); highest among the groups gnomAD compares: Non-Finnish European, 0.00076%; no homozygotes.

Submissions (4):

Labcorp Genetics (formerly Invitae), Labcorp
Classification: Likely pathogenic. Last evaluated: 2025-02-25. Review status: criteria provided, single submitter. Criteria: Invitae Variant Classification Sherloc (09022015). Collection method: clinical testing. Allele origin: germline.
Comment: This sequence change replaces tryptophan, which is neutral and slightly polar, with cysteine, which is neutral and slightly polar, at codon 203 of the CNGA3 protein (p.Trp203Cys). This variant is present in population databases (rs757650055, gnomAD 0.002%). This missense change has been observed in individuals with achromotopsia (PMID: 35332618; internal data). ClinVar contains an entry for this variant (Variation ID: 1064488). Invitae Evidence Modeling of protein sequence and biophysical properties (such as structural, functional, and spatial information, amino acid conservation, physicochemical variation, residue mobility, and thermodynamic stability) indicates that this missense variant is expected to disrupt CNGA3 protein function with a positive predictive value of 95%. This variant disrupts the p.Trp203 amino acid residue in CNGA3. Other variant(s) that disrupt this residue have been observed in individuals with CNGA3-related conditions (PMID: 31963381, 35332618), which suggests that this may be a clinically significant amino acid residue. In summary, the currently available evidence indicates that the variant is pathogenic, but additional data are needed to prove that conclusively. Therefore, this variant has been classified as Likely Pathogenic.

Blueprint Genetics
Classification: Likely pathogenic for CNGA3-related disorders. Last evaluated: 2022-02-15. Review status: criteria provided, single submitter. Criteria: ACMG Guidelines, 2015. Collection method: clinical testing. Allele origin: germline. Affected: yes. Observed: 2 variant alleles.

Institute of Human Genetics, Univ. Regensburg, Univ. Regensburg
Classification: Likely pathogenic for Retinal dystrophy. Last evaluated: 2019-01-01. Review status: criteria provided, single submitter. Criteria: ACMG Guidelines, 2015. Collection method: clinical testing. Allele origin: germline. Affected: yes.

Molecular Genetics Laboratory, Institute for Ophthalmic Research
Classification: Uncertain significance for Achromatopsia 2. Last evaluated: 2021-04-15. Review status: no assertion criteria provided. Collection method: research. Allele origin: germline. Affected: yes. Not counted in ClinVar's aggregate classification.

Literature cited by the submitters: PubMed 35332618 (cited by Labcorp Genetics (formerly Invitae), Labcorp and Institute of Human Genetics, Univ. Regensburg, Univ. Regensburg); PubMed 31963381 (cited by Labcorp Genetics (formerly Invitae), Labcorp).

NM_001298.3(CNGA3):c.609G>T (p.Trp203Cys)

Gene: CNGA3 (cyclic nucleotide gated channel subunit alpha 3; plus strand). Cytogenetic location: 2q11.2.
Variant type: single nucleotide variant.
Coding change: c.609G>T on transcript NM_001298.3 (MANE Select); coding-DNA position 609, G replaced by T.
Protein change: p.Trp203Cys; replaces tryptophan 203 with cysteine.
Molecular consequence: missense variant.
Genome position (GRCh38, 1-based): chr2:98,391,906, G>T. VCF-style: chr2-98391906-G-T. GRCh37 (hg19) VCF-style: chr2-99008369-G-T.
Other names: c.555G>T, p.Trp185Cys (NM_001079878.2); short protein forms W185C, W203C.
Identifiers: ClinVar variation 1064488 (VCV001064488.11), dbSNP rs757650055, ClinGen allele CA1793825.
Genomic context (GRCh38, chr2:98,391,906, plus strand): 5'-CCCACATGGCTTCTTTAGGGCCTGTTTCGATGAGCTGCAGTCCGAGTACCTGATGCTGTG[G>T]CTGGTCCTGGACTACTCGGCAGATGTCCTGTATGTCTTGGATGTGCTTGTACGAGCTCGG-3'
Protein context (NP_001289.1, residues 193-213): DELQSEYLML[Trp203Cys]LVLDYSADVL